The following is an entry in ClinVar:

NM_001040108.2(MLH3):c.1569G>A (p.Gln523=)

Gene: MLH3 (mutL homolog 3; minus strand). Cytogenetic location: 14q24.3.
Variant type: single nucleotide variant.
Coding change: c.1569G>A on transcript NM_001040108.2 (MANE Select); coding-DNA position 1569, G replaced by A.
Protein change: p.Gln523=; no amino-acid change (glutamine 523 retained).
Molecular consequence: synonymous variant.
Genome position (GRCh38, 1-based): chr14:75,048,087, C>T on the plus strand (G>A on the coding strand, the complement: MLH3 is on the minus strand). VCF-style: chr14-75048087-C-T. GRCh37 (hg19) VCF-style: chr14-75514790-C-T.
Other names: c.1569G>A, p.Gln523= (NM_014381.3).
Identifiers: ClinVar variation 1154670 (VCV001154670.12), dbSNP rs552398291, ClinGen allele CA7275851.
Genomic context (GRCh38, chr14:75,048,087, plus strand): 5'-TTTCAAGATGTTGGCAGCCATGCCATTAACAGTAGTACTTTCTTTCCATATTTCTAGATC[C>T]TGCCCACTCTCCTCAAAGTGACATGGTGTCTGAAAAGGGCTTAAAAACATTTCTAAACTG-3'
Protein context (NP_001035197.1, residues 513-533): QTPCHFEESG[Gln523=]DLEIWKESTT

ClinVar aggregate classification (germline): Benign/Likely benign. Review status: criteria provided, multiple submitters, no conflicts (2 of 4 stars). 3 submissions from 3 submitters: Benign (1); Likely benign (2). Last evaluated 2026-04-30.

Conditions:
Colorectal cancer, hereditary nonpolyposis, type 7. Identifiers: Orphanet 144, MedGen C1858380, MONDO:0013725, OMIM 614385.

Allele frequency attached by ClinVar (database versions not stated): gnomAD 0.00001; gnomAD exomes 0.00002 and 0.00005; ExAC 0.00006; 1000 Genomes Project 30x 0.00016; 1000 Genomes Project 0.00020.
gnomAD v4.1: 31 of 1,614,158 alleles (0.0019%); highest among the groups gnomAD compares: South Asian, 0.034%; no homozygotes.

Submissions (3):

Myriad Genetics, Inc.
Classification: Benign for Colorectal cancer, hereditary nonpolyposis, type 7. Last evaluated: 2026-04-30. Review status: criteria provided, single submitter. Criteria: Myriad Autosomal Dominant, Autosomal Recessive and X-Linked Classification Criteria (2023). Collection method: clinical testing. Allele origin: unknown.
Comment: This variant is considered benign. This variant is a silent/synonymous amino acid change and it is not expected to impact splicing.

Labcorp Genetics (formerly Invitae), Labcorp
Classification: Likely benign for Colorectal cancer, hereditary nonpolyposis, type 7. Last evaluated: 2024-02-05. Review status: criteria provided, single submitter. Criteria: Invitae Variant Classification Sherloc (09022015). Collection method: clinical testing. Allele origin: germline.

Ambry Genetics
Classification: Likely benign. Last evaluated: 2022-08-08. Review status: criteria provided, single submitter. Criteria: Ambry Variant Classification Scheme 2023. Collection method: clinical testing. Allele origin: germline.